The following is an entry in ClinVar:

NM_007315.4(STAT1):c.2136-318G>A

Gene: STAT1 (signal transducer and activator of transcription 1; minus strand). Cytogenetic location: 2q32.2.
Variant type: single nucleotide variant.
Coding change: c.2136-318G>A on transcript NM_007315.4 (MANE Select); 318 bases into the intron before coding-DNA position 2136, G replaced by A.
Molecular consequence: intron variant.
Genome position (GRCh38, 1-based): chr2:190,975,250, C>T on the plus strand (G>A on the coding strand, the complement: STAT1 is on the minus strand). VCF-style: chr2-190975250-C-T. GRCh37 (hg19) VCF-style: chr2-191839976-C-T.
Other names: c.2046-318G>A (NM_001384890.1); c.2037-318G>A (NM_001384883.1); c.1977-318G>A (NM_001384885.1); c.2043-318G>A (NM_001384887.1); c.2076-318G>A (NM_001384880.1); c.2106-318G>A (NM_001384888.1); c.2130-318G>A (NM_001384882.1); c.2136-330G>A (NM_001384889.1); and 4 more.
Identifiers: ClinVar variation 1264267 (VCV001264267.5), dbSNP rs1914408, ClinGen allele CA11040879.

ClinVar aggregate classification (germline): Benign. Review status: criteria provided, multiple submitters, no conflicts (2 of 4 stars). 3 submissions from 3 submitters: Benign (3). Last evaluated 2024-01-24.

Allele frequency attached by ClinVar (database versions not stated): 1000 Genomes Project 30x 0.19129; 1000 Genomes Project 0.19529; TOPMed 0.20575; gnomAD 0.20749 and 0.20779; gnomAD exomes 0.21227.
gnomAD v4.1: 96,129 of 455,736 alleles (21%); highest among the groups gnomAD compares: East Asian, 32%; 10,856 homozygotes.

Submissions (3):

Unidad de Genómica Garrahan, Hospital de Pediatría Garrahan
Classification: Benign. Last evaluated: 2024-01-24. Review status: criteria provided, single submitter. Criteria: ACMG Guidelines, 2015. Collection method: clinical testing. Allele origin: germline. Affected: no. Observed: 26 variant alleles.
Comment: This variant is classified as Benign based on local population frequency. This variant was detected in 30% of patients studied by a panel of primary immunodeficiencies. Number of patients: 26. Only high quality variants are reported.

GeneDx
Classification: Benign. Last evaluated: 2021-06-19. Review status: criteria provided, single submitter. Criteria: GeneDx Variant Classification Process June 2021. Collection method: clinical testing. Allele origin: germline. Affected: yes.

Breakthrough Genomics
Classification: Benign. Review status: criteria provided, single submitter. Criteria: ACMG Guidelines, 2015. Collection method: not provided. Allele origin: germline. Inheritance: Autosomal recessive inheritance. Affected: yes.